The following is an entry in ClinVar:

NM_001009944.3(PKD1):c.8068_8102dup (p.Glu2701_Thr2702insSerTrpArgProTer)

Gene: PKD1 (polycystin 1, transient receptor potential channel interacting; minus strand). Cytogenetic location: 16p13.3.
Variant type: Duplication.
Coding change: c.8068_8102dup on transcript NM_001009944.3 (MANE Select); coding-DNA positions 8068 to 8102, 35 bases duplicated.
Protein change: p.Glu2701_Thr2702insSerTrpArgProTer.
Molecular consequence: nonsense, inframe insertion. On other transcripts: frameshift variant (1).
Genome position (GRCh38, 1-based): chr16:2,104,557-2,104,591, 35 bases duplicated. GRCh37 (hg19): chr16:2,154,558-2,154,592.
Other names: c.8068_8102dup, p.Glu2701_Thr2702insSerTrpArgProTer (NM_000296.4); c.8068_8102dup35 (NM_001009944.2).
Identifiers: ClinVar variation 3344309 (VCV003344309.1).
Genomic context (GRCh38, chr16:2,104,556, plus strand): 5'-ACCTGTGATGTTGAGGATGCTGTCTCCGATGGCGGTGGGCGTCACGGTGCCCGCGGTGGT[C>CTCTGCCTGCAGGATGAGCATCATGGCCTCCAGCTT]TCTGCCTGCAGGATGAGCATCATGGCCTCCAGCTTGTGCAGCGTCTGCTTCAGGCACGAG-3'

ClinVar aggregate classification (germline): Pathogenic (0 of 4 stars; one submission).

Conditions:
PKD1-related disorder. Also called: PKD1-related condition.

Submission:

PreventionGenetics, part of Exact Sciences
Classification: Pathogenic for PKD1-related condition. Last evaluated: 2024-04-18. Review status: no assertion criteria provided. Collection method: clinical testing. Allele origin: germline.
Comment: The PKD1 c.8068_8102dup35 variant is predicted to result in a frameshift and premature protein termination (p.Thr2702Serfs*5). To our knowledge, this variant has not been reported in the literature or in a large population database, indicating this variant is rare. Frameshift variants in PKD1 are expected to be pathogenic. This variant is interpreted as pathogenic.